The following is an entry in ClinVar:

NM_000474.4(TWIST1):c.400ATC[1] (p.Ile135del)

Gene: TWIST1 (twist family bHLH transcription factor 1; minus strand). Cytogenetic location: 7p21.1.
Variant type: Microsatellite.
Coding change: c.400ATC[1] on transcript NM_000474.4 (MANE Select); one copy of the 3-base unit ATC starting at c.400; the reference has two copies in a row; one copy, 3 bases deleted.
Protein change: p.Ile135del; deletes isoleucine 135.
Molecular consequence: inframe deletion. On other transcripts: non-coding transcript variant (1).
Genome position (GRCh38, 1-based): chr7:19,116,917-19,116,919, GAT deleted on the plus strand (ATC on the coding strand, the reverse complement: TWIST1 is on the minus strand); deleting any 3 consecutive bases within chr7:19,116,917-19,116,922 gives the same sequence; the position shown is the placement nearest the transcript's 3' end. VCF-style (leftmost placement, unchanged base first): chr7-19116916-GGAT-G. GRCh37 (hg19) VCF-style: chr7-19156539-GGAT-G.
Other names: short protein forms I135del.
Identifiers: ClinVar variation 1351855 (VCV001351855.8), dbSNP rs2115396671, ClinGen allele CA2580615855.

ClinVar aggregate classification (germline): Pathogenic (1 of 4 stars; one submission).

Conditions:
TWIST1-related craniosynostosis (CRS1). Also called: CRANIOSYNOSTOSIS 1. Identifiers: Orphanet 63440, MedGen C4551902, MONDO:0007399, OMIM 123100. Inheritance: Heterogenous inheritance pattern.
Saethre-Chotzen syndrome (SCS). Also called: ACROCEPHALY, SKULL ASYMMETRY, AND MILD SYNDACTYLY; ACS III; CHOTZEN SYNDROME. Identifiers: Orphanet 794, MedGen C0175699, MONDO:0007042, OMIM 101400.

Submission:

Labcorp Genetics (formerly Invitae), Labcorp
Classification: Pathogenic for TWIST1-related craniosynostosis; Saethre-Chotzen syndrome. Last evaluated: 2021-09-08. Review status: criteria provided, single submitter. Criteria: Invitae Variant Classification Sherloc (09022015). Collection method: clinical testing. Allele origin: germline.
Comment: This variant, c.403_405del, results in the deletion of 1 amino acid(s) of the TWIST1 protein (p.Ile135del), but otherwise preserves the integrity of the reading frame. This variant is not present in population databases (ExAC no frequency). This variant has been observed in individual(s) with TWIST1-related conditions (Invitae). In at least one individual the variant was observed to be de novo. This missense change is located in a region of the TWIST1 protein in which a significant number of missense variants have been reported (Invitae). These observations suggest that this may be a clinically significant region of the protein. For these reasons, this variant has been classified as Pathogenic.